The following is an entry in ClinVar:

ClinVar aggregate classification (germline): Uncertain significance. Review status: criteria provided, multiple submitters, no conflicts (2 of 4 stars). 2 submissions from 2 submitters: Uncertain significance (2). Last evaluated 2025-05-22.

Conditions:
COG4-congenital disorder of glycosylation. Also called: CONGENITAL DISORDER OF GLYCOSYLATION, TYPE IIj; CDG IIj; COG4-CDG. Identifiers: Orphanet 263501, MedGen C4303552, MONDO:0013281, OMIM 613489.

Allele frequency attached by ClinVar (database versions not stated): gnomAD 0.00010 and 0.00011; 1000 Genomes Project 30x 0.00016; 1000 Genomes Project 0.00020; TOPMed 0.00005; ExAC 0.00010.
gnomAD v4.1: 170 of 1,613,854 alleles (0.011%); highest among the groups gnomAD compares: East Asian, 0.02%; 1 homozygote.

Submissions (2):

Labcorp Genetics (formerly Invitae), Labcorp
Classification: Uncertain significance for COG4-congenital disorder of glycosylation. Last evaluated: 2025-05-22. Review status: criteria provided, single submitter. Criteria: Invitae Variant Classification Sherloc (09022015). Collection method: clinical testing. Allele origin: germline.
Comment: This sequence change replaces arginine, which is basic and polar, with histidine, which is basic and polar, at codon 369 of the COG4 protein (p.Arg369His). This variant is present in population databases (rs146268306, gnomAD 0.04%). This variant has not been reported in the literature in individuals affected with COG4-related conditions. ClinVar contains an entry for this variant (Variation ID: 664393). Invitae Evidence Modeling of protein sequence and biophysical properties (such as structural, functional, and spatial information, amino acid conservation, physicochemical variation, residue mobility, and thermodynamic stability) indicates that this missense variant is not expected to disrupt COG4 protein function with a negative predictive value of 80%. In summary, the available evidence is currently insufficient to determine the role of this variant in disease. Therefore, it has been classified as a Variant of Uncertain Significance.

Blueprint Genetics
Classification: Uncertain significance. Last evaluated: 2024-05-23. Review status: criteria provided, single submitter. Criteria: ACMG Guidelines, 2015. Collection method: clinical testing. Allele origin: germline.

NM_015386.3(COG4):c.1106G>A (p.Arg369His)

Gene: COG4 (component of oligomeric golgi complex 4; minus strand). Cytogenetic location: 16q22.1.
Variant type: single nucleotide variant.
Coding change: c.1106G>A on transcript NM_015386.3 (MANE Select); coding-DNA position 1106, G replaced by A.
Protein change: p.Arg369His; replaces arginine 369 with histidine.
Molecular consequence: missense variant. On other transcripts: non-coding transcript variant (1).
Genome position (GRCh38, 1-based): chr16:70,501,047, C>T on the plus strand (G>A on the coding strand, the complement: COG4 is on the minus strand). VCF-style: chr16-70501047-C-T. GRCh37 (hg19) VCF-style: chr16-70534950-C-T.
Other names: c.1094G>A, p.Arg365His (NM_001195139.2); c.680G>A, p.Arg227His (NM_001365426.1); short protein forms R365H, R369H, R227H.
Identifiers: ClinVar variation 664393 (VCV000664393.10), dbSNP rs146268306, ClinGen allele CA8144440.